The following is an entry in ClinVar:

ClinVar aggregate classification (germline): Uncertain significance. Review status: criteria provided, multiple submitters, no conflicts (2 of 4 stars). 4 submissions from 4 submitters: Uncertain significance (4). Last evaluated 2026-08-16.

Conditions:
Cardiovascular phenotype. Identifiers: MedGen CN230736.
Danon disease. Also called: PSEUDOGLYCOGENOSIS II; GSD IIb; LYSOSOMAL GLYCOGEN STORAGE DISEASE WITHOUT ACID MALTASE DEFICIENCY; Glycogen Storage Disease Type IIb; ANTOPOL DISEASE. Identifiers: Orphanet 34587, MedGen C0878677, MONDO:0010281, OMIM 300257.

Allele frequency attached by ClinVar (database versions not stated): gnomAD 0.00001 and below 0.00001; gnomAD exomes 0.00001.
gnomAD v4.1: 3 of 1,198,906 alleles (0.00025%); highest among the groups gnomAD compares: East Asian, 0.003%; no homozygotes.

Submissions (4):

Ambry Genetics
Classification: Uncertain significance for Cardiovascular phenotype. Last evaluated: 2026-08-16. Review status: criteria provided, single submitter. Criteria: Ambry Variant Classification Scheme 2023. Collection method: clinical testing. Allele origin: germline.
Comment: The p.P127L variant (also known as c.380C>T), located in coding exon 3 of the LAMP2 gene, results from a C to T substitution at nucleotide position 380. The proline at codon 127 is replaced by leucine, an amino acid with similar properties. This amino acid position is conserved. In addition, this alteration is predicted to be deleterious by in silico analysis. Based on the available evidence, the clinical significance of this variant remains unclear.

Labcorp Genetics (formerly Invitae), Labcorp
Classification: Uncertain significance for Danon disease. Last evaluated: 2025-07-23. Review status: criteria provided, single submitter. Criteria: Invitae Variant Classification Sherloc (09022015). Collection method: clinical testing. Allele origin: germline.
Comment: This sequence change replaces proline, which is neutral and non-polar, with leucine, which is neutral and non-polar, at codon 127 of the LAMP2 protein (p.Pro127Leu). This variant is present in population databases (no rsID available, gnomAD 0.005%), including at least one homozygous and/or hemizygous individual. This variant has not been reported in the literature in individuals affected with LAMP2-related conditions. ClinVar contains an entry for this variant (Variation ID: 834932). Invitae Evidence Modeling of protein sequence and biophysical properties (such as structural, functional, and spatial information, amino acid conservation, physicochemical variation, residue mobility, and thermodynamic stability) indicates that this missense variant is expected to disrupt LAMP2 protein function with a positive predictive value of 80%. In summary, the available evidence is currently insufficient to determine the role of this variant in disease. Therefore, it has been classified as a Variant of Uncertain Significance.

Blueprint Genetics
Classification: Uncertain significance. Last evaluated: 2022-11-14. Review status: criteria provided, single submitter. Criteria: ACMG Guidelines, 2015. Collection method: clinical testing. Allele origin: germline.

GeneDx
Classification: Uncertain significance. Last evaluated: 2019-04-26. Review status: criteria provided, single submitter. Criteria: GeneDx Variant Classification Process June 2021. Collection method: clinical testing. Allele origin: germline. Affected: yes.
Comment: In silico analysis, which includes protein predictors and evolutionary conservation, supports a deleterious effect; Has not been previously published as pathogenic or benign to our knowledge

NM_002294.3(LAMP2):c.380C>T (p.Pro127Leu)

Gene: LAMP2 (lysosome associated membrane protein 2; minus strand). Cytogenetic location: Xq24.
Variant type: single nucleotide variant.
Coding change: c.380C>T on transcript NM_002294.3 (MANE Select); coding-DNA position 380, C replaced by T.
Protein change: p.Pro127Leu; replaces proline 127 with leucine.
Molecular consequence: missense variant.
Genome position (GRCh38, 1-based): chrX:120,455,374, G>A on the plus strand (C>T on the coding strand, the complement: LAMP2 is on the minus strand). VCF-style: chrX-120455374-G-A. GRCh37 (hg19) VCF-style: chrX-119589229-G-A.
Other names: c.380C>T, p.Pro127Leu (NM_001122606.1, NM_013995.2); short protein forms P127L.
Identifiers: ClinVar variation 834932 (VCV000834932.13), dbSNP rs1200950486, ClinGen allele CA414402751.
Genomic context (GRCh38, chrX:120,455,374, plus strand): 5'-TAAAAAGCAAGAGAACATAACACAAATCCATTCTTAAGGTTACCTTTATCTTCAGCATCA[G>A]GAAATGTTGTGTTATCACCAGTGTTGTAGGAAAATGAGACGCTGTCAATTGAATAAGTAG-3'
Protein context (NP_002285.1, residues 117-137): SYNTGDNTTF[Pro127Leu]DAEDKGILTV